The following is an entry in ClinVar:

ClinVar aggregate classification (germline): Uncertain significance (1 of 4 stars; one submission).

Allele frequency attached by ClinVar (database versions not stated): gnomAD below 0.00001 and 0.00001.
gnomAD v4.1: 57 of 1,611,332 alleles (0.0035%); highest among the groups gnomAD compares: South Asian, 0.063%; no homozygotes.

Submission:

Labcorp Genetics (formerly Invitae), Labcorp
Classification: Uncertain significance. Last evaluated: 2021-07-09. Review status: criteria provided, single submitter. Criteria: Invitae Variant Classification Sherloc (09022015). Collection method: clinical testing. Allele origin: germline.
Comment: In summary, the available evidence is currently insufficient to determine the role of this variant in disease. Therefore, it has been classified as a Variant of Uncertain Significance. This sequence change replaces asparagine with tyrosine at codon 413 of the ATF6 protein (p.Asn413Tyr). The asparagine residue is moderately conserved and there is a large physicochemical difference between asparagine and tyrosine. This variant is present in population databases (rs763231015, ExAC 0.07%). This variant has not been reported in the literature in individuals with ATF6-related conditions. Algorithms developed to predict the effect of missense changes on protein structure and function (SIFT, PolyPhen-2, Align-GVGD) all suggest that this variant is likely to be tolerated, but these predictions have not been confirmed by published functional studies and their clinical significance is uncertain.

NM_007348.4(ATF6):c.1237A>T (p.Asn413Tyr)

Gene: ATF6 (activating transcription factor 6; plus strand). Cytogenetic location: 1q23.3.
Variant type: single nucleotide variant.
Coding change: c.1237A>T on transcript NM_007348.4 (MANE Select); coding-DNA position 1237, A replaced by T.
Protein change: p.Asn413Tyr; replaces asparagine 413 with tyrosine.
Molecular consequence: missense variant.
Genome position (GRCh38, 1-based): chr1:161,846,498, A>T. VCF-style: chr1-161846498-A-T. GRCh37 (hg19) VCF-style: chr1-161816288-A-T.
Other names: short protein forms N413Y.
Identifiers: ClinVar variation 960188 (VCV000960188.6), dbSNP rs763231015, ClinGen allele CA1214414.